The following is an entry in ClinVar:

NM_000038.6(APC):c.4250T>C (p.Ile1417Thr)

Gene: APC (APC regulator of WNT signaling pathway; plus strand). Cytogenetic location: 5q22.2.
Variant type: single nucleotide variant.
Coding change: c.4250T>C on transcript NM_000038.6 (MANE Select); coding-DNA position 4250, T replaced by C.
Protein change: p.Ile1417Thr; replaces isoleucine 1417 with threonine.
Molecular consequence: missense variant.
Genome position (GRCh38, 1-based): chr5:112,839,844, T>C. VCF-style: chr5-112839844-T-C. GRCh37 (hg19) VCF-style: chr5-112175541-T-C.
Other names: c.4250T>C, p.Ile1417Thr (NM_001127510.3, NM_001354895.2); c.4196T>C, p.Ile1399Thr (NM_001127511.3); c.4304T>C, p.Ile1435Thr (NM_001354896.2); c.4280T>C, p.Ile1427Thr (NM_001354897.2); c.4175T>C, p.Ile1392Thr (NM_001354898.2); c.4166T>C, p.Ile1389Thr (NM_001354899.2); c.4127T>C, p.Ile1376Thr (NM_001354900.2); c.4073T>C, p.Ile1358Thr (NM_001354901.2); and 5 more; short protein forms I1399T, I1417T, I1291T, I1316T, I1358T, I1392T, I1326T, I1376T.
Identifiers: ClinVar variation 419319 (VCV000419319.2), dbSNP rs1064793790, ClinGen allele CA16030642.
Genomic context (GRCh38, chr5:112,839,844, plus strand): 5'-AGAGTCGTTCGATTGCCAGCTCCGTTCAGAGTGAACCATGCAGTGGAATGGTAAGTGGCA[T>C]TATAAGCCCCAGTGATCTTCCAGATAGCCCTGGACAAACCATGCCACCAAGCAGAAGTAA-3'
Protein context (NP_000029.2, residues 1407-1427): SEPCSGMVSG[Ile1417Thr]ISPSDLPDSP

ClinVar aggregate classification (germline): Uncertain significance (1 of 4 stars; one submission).

Submission:

GeneDx
Classification: Uncertain significance. Last evaluated: 2015-06-24. Review status: criteria provided, single submitter. Criteria: GeneDx Variant Classification (06012015). Collection method: clinical testing. Allele origin: germline. Affected: yes.
Comment: This variant is denoted APC c.4250T>C at the cDNA level, p.Ile1417Thr (I1417T) at the protein level, and results in the change of an Isoleucine to a Threonine (ATT>ACT). This variant has not, to our knowledge, been published in the literature as pathogenic or benign. APC Ile1417Thr was not observed in approximately 6,500 individuals of European and African American ancestry in the NHLBI Exome Sequencing Project, indicating it is not a common benign variant in these populations. Since Isoleucine and Threonine differ in polarity, charge, size or other properties, this is considered a non-conservative amino acid substitution. APC Ile1417Thr occurs at a position where amino acids with properties similar to Isoleucine are tolerated across species and is located within the 20-aa repeat beta-catenin down-regulating domain (Azzopardi 2008). In silico analyses predict that this variant is probably damaging to protein structure and function. Based on currently available information, it is unclear whether APC Ile1417Thr is pathogenic or benign. We consider it to be a variant of uncertain significance.